The following is an entry in ClinVar:

ClinVar aggregate classification (germline): Likely pathogenic (1 of 4 stars; one submission).

Submission:

GeneDx
Classification: Likely pathogenic. Last evaluated: 2019-10-07. Review status: criteria provided, single submitter. Criteria: GeneDx Variant Classification Process June 2021. Collection method: clinical testing. Allele origin: germline. Affected: yes.
Comment: Not observed in large population cohorts (Lek et al., 2016); In silico analysis, which includes protein predictors and evolutionary conservation, supports a deleterious effect; Has not been previously published as pathogenic or benign to our knowledge

NM_020989.4(CRYGC):c.424C>G (p.Arg142Gly)

Genes: CRYGC (crystallin gamma C; minus strand), LOC100507443 (uncharacterized LOC100507443; plus strand). Cytogenetic location: 2q33.3.
Variant type: single nucleotide variant.
Coding change: c.424C>G on transcript NM_020989.4 (MANE Select); coding-DNA position 424, C replaced by G.
Protein change: p.Arg142Gly; replaces arginine 142 with glycine.
Molecular consequence: missense variant.
Genome position (GRCh38, 1-based): chr2:208,128,304, G>C on the plus strand (C>G on the coding strand, the complement: CRYGC is on the minus strand). VCF-style: chr2-208128304-G-C. GRCh37 (hg19) VCF-style: chr2-208993028-G-C.
Other names: short protein forms R142G.
Identifiers: ClinVar variation 1200414 (VCV001200414.3), dbSNP rs141474796, ClinGen allele CA350093891.